The following is an entry in ClinVar:

ClinVar aggregate classification (germline): Uncertain significance (1 of 4 stars; one submission).

Submission:

GeneDx
Classification: Uncertain significance. Last evaluated: 2025-03-31. Review status: criteria provided, single submitter. Criteria: GeneDx Variant Classification Process June 2021. Collection method: clinical testing. Allele origin: germline. Affected: yes.
Comment: Not observed at significant frequency in large population cohorts (gnomAD); In silico analysis supports that this missense variant has a deleterious effect on protein structure/function; Has not been previously published as pathogenic or benign to our knowledge

NM_006514.4(SCN10A):c.2666T>C (p.Leu889Pro)

Gene: SCN10A (sodium voltage-gated channel alpha subunit 10; minus strand). Cytogenetic location: 3p22.2.
Variant type: single nucleotide variant.
Coding change: c.2666T>C on transcript NM_006514.4 (MANE Select); coding-DNA position 2666, T replaced by C.
Protein change: p.Leu889Pro; replaces leucine 889 with proline.
Molecular consequence: missense variant.
Genome position (GRCh38, 1-based): chr3:38,727,027, A>G on the plus strand (T>C on the coding strand, the complement: SCN10A is on the minus strand). VCF-style: chr3-38727027-A-G. GRCh37 (hg19) VCF-style: chr3-38768518-A-G.
Other names: c.2666T>C, p.Leu889Pro (NM_001293306.2); c.2372T>C, p.Leu791Pro (NM_001293307.2); short protein forms L791P, L889P.
Identifiers: ClinVar variation 4278856 (VCV004278856.1).